The following is an entry in ClinVar:

NM_001242896.3(DEPDC5):c.2354+46C>T

Gene: DEPDC5 (DEP domain containing 5, GATOR1 subcomplex subunit; plus strand). Cytogenetic location: 22q12.3.
Variant type: single nucleotide variant.
Coding change: c.2354+46C>T on transcript NM_001242896.3 (MANE Select); 46 bases into the intron after coding-DNA position 2354, C replaced by T.
Molecular consequence: intron variant.
Genome position (GRCh38, 1-based): chr22:31,837,201, C>T. VCF-style: chr22-31837201-C-T. GRCh37 (hg19) VCF-style: chr22-32233187-C-T.
Other names: c.2354+46C>T (NM_001364318.2, NM_001363852.2, NM_001364320.2); c.2327+46C>T (NM_001136029.4, NM_014662.6, NM_001369903.1); c.2120+46C>T (NM_001363854.2, NM_001242897.2, NM_001364319.2); c.2270+46C>T (NM_001369902.1, NM_001369901.1).
Identifiers: ClinVar variation 4821139 (VCV004821139.4).

ClinVar aggregate classification (germline): Likely benign (1 of 4 stars; one submission).

gnomAD v4.1: 32 of 1,598,850 alleles (0.002%); highest among the groups gnomAD compares: Non-Finnish European, 0.0026%; no homozygotes.

Submission:

CeGaT Center for Human Genetics Tuebingen
Classification: Likely benign. Last evaluated: 2026-01-01. Review status: criteria provided, single submitter. Criteria: CeGaT Center For Human Genetics Tuebingen Variant Classification Criteria Version 2. Collection method: clinical testing. Allele origin: germline. Affected: yes. Observed: 1 variant allele.
Comment: DEPDC5: BP4, BP7